The following is an entry in ClinVar:

ClinVar aggregate classification (germline): Uncertain significance (1 of 4 stars; one submission).

Conditions:
Facioscapulohumeral muscular dystrophy 2 (FSHD2). Also called: MUSCULAR DYSTROPHY, FACIOSCAPULOHUMERAL, TYPE 1B; FACIOSCAPULOHUMERAL MUSCULAR DYSTROPHY 2, DIGENIC; FSHD2, DIGENIC. Identifiers: Orphanet 269, MedGen C1834671, MONDO:0008031, OMIM 158901.

Submission:

Labcorp Genetics (formerly Invitae), Labcorp
Classification: Uncertain significance for Facioscapulohumeral muscular dystrophy 2. Last evaluated: 2022-02-27. Review status: criteria provided, single submitter. Criteria: Invitae Variant Classification Sherloc (09022015). Collection method: clinical testing. Allele origin: germline.
Comment: This sequence change replaces isoleucine, which is neutral and non-polar, with phenylalanine, which is neutral and non-polar, at codon 1804 of the SMCHD1 protein (p.Ile1804Phe). This variant is not present in population databases (gnomAD no frequency). In summary, the available evidence is currently insufficient to determine the role of this variant in disease. Therefore, it has been classified as a Variant of Uncertain Significance. Algorithms developed to predict the effect of missense changes on protein structure and function output the following: SIFT: "Tolerated"; PolyPhen-2: "Benign"; Align-GVGD: "Class C0". The phenylalanine amino acid residue is found in multiple mammalian species, which suggests that this missense change does not adversely affect protein function. This variant has not been reported in the literature in individuals affected with SMCHD1-related conditions.

NM_015295.3(SMCHD1):c.5410A>T (p.Ile1804Phe)

Gene: SMCHD1 (structural maintenance of chromosomes flexible hinge domain containing 1; plus strand). Cytogenetic location: 18p11.32.
Variant type: single nucleotide variant.
Coding change: c.5410A>T on transcript NM_015295.3 (MANE Select); coding-DNA position 5410, A replaced by T.
Protein change: p.Ile1804Phe; replaces isoleucine 1804 with phenylalanine.
Molecular consequence: missense variant.
Genome position (GRCh38, 1-based): chr18:2,777,849, A>T. VCF-style: chr18-2777849-A-T. GRCh37 (hg19) VCF-style: chr18-2777847-A-T.
Other names: short protein forms I1804F.
Identifiers: ClinVar variation 2104104 (VCV002104104.4), dbSNP rs2510159449, ClinGen allele CA401686337.
Genomic context (GRCh38, chr18:2,777,849, plus strand): 5'-AATTTCTTTTTATTTAGATCTCTACCTCATTTCCGAAATGGAAAATTGTATTTTAAACCC[A>T]TTGGAGATCCAGTCTTTGCTCGAGACTTGTTAACATTTCCAGATAATGTAGAACATTGTG-3'
Protein context (NP_056110.2, residues 1794-1814): FRNGKLYFKP[Ile1804Phe]GDPVFARDLL